The following is an entry in ClinVar:

NM_020745.4(AARS2):c.394G>A (p.Glu132Lys)

Gene: AARS2 (alanyl-tRNA synthetase 2, mitochondrial; minus strand). Cytogenetic location: 6p21.1.
Variant type: single nucleotide variant.
Coding change: c.394G>A on transcript NM_020745.4 (MANE Select); coding-DNA position 394, G replaced by A.
Protein change: p.Glu132Lys; replaces glutamic acid 132 with lysine.
Molecular consequence: missense variant.
Genome position (GRCh38, 1-based): chr6:44,312,113, C>T on the plus strand (G>A on the coding strand, the complement: AARS2 is on the minus strand). VCF-style: chr6-44312113-C-T. GRCh37 (hg19) VCF-style: chr6-44279850-C-T.
Other names: short protein forms E132K.
Identifiers: ClinVar variation 5020039 (VCV005020039.1).

ClinVar aggregate classification (germline): Uncertain significance (1 of 4 stars; one submission).

Conditions:
Combined oxidative phosphorylation defect type 8. Also called: CARDIOMYOPATHY, HYPERTROPHIC MITOCHONDRIAL, FATAL INFANTILE. Identifiers: Orphanet 319504, MedGen C4518839, MONDO:0013570, OMIM 614096.
Leukoencephalopathy, progressive, with ovarian failure (LKENP). Identifiers: Orphanet 99853, MedGen C4014588, MONDO:0014387, OMIM 615889.

gnomAD v4.1: 1 of 1,614,222 alleles (0.000062%); highest among the groups gnomAD compares: Non-Finnish European, 0.000085%; no homozygotes.

Submission:

Juno Genomics, Hangzhou Juno Genomics, Inc
Classification: Uncertain significance for Combined oxidative phosphorylation defect type 8; Leukoencephalopathy, progressive, with ovarian failure. Review status: criteria provided, single submitter. Criteria: ACMG Guidelines, 2015. Collection method: clinical testing. Allele origin: germline. Affected: yes.
Comment: Absent from controls (or at extremely low frequency if recessive) in Genome Aggregation Database.;Multiple lines of computational evidence support a deleterious effect on the gene or gene product.